The following is an entry in ClinVar:

ClinVar aggregate classification (germline): Pathogenic (1 of 4 stars; one submission).

Conditions:
Hereditary breast ovarian cancer syndrome. Also called: Hereditary breast and ovarian cancer syndrome; Hereditary breast and ovarian cancer; Breast and ovarian cancer; Hereditary breast and/or ovarian cancer syndrome; Hereditary breast and ovarian cancer syndrome (HBOC); BRCA1- and BRCA2-Associated Hereditary Breast and Ovarian Cancer. Identifiers: Orphanet 145, MedGen C0677776, MeSH D061325, MONDO:0003582. Disease mechanism: loss of function.

Submission:

Women's Health and Genetics/Laboratory Corporation of America, LabCorp
Classification: Pathogenic for Hereditary breast ovarian cancer syndrome. Last evaluated: 2022-01-05. Review status: criteria provided, single submitter. Criteria: LabCorp Variant Classification Summary - May 2015. Collection method: clinical testing. Allele origin: germline.
Comment: Variant summary: The variant identified by MLPA or other technology involves the deletion of exons 20-21 (also known as exons 21-22) in the BRCA1 gene. A presumed nomenclature of c.(5277+1_5278-1)_(5406+1_5407-1)del has been designated for the purposes of this classification. Although exact breakpoints of this deletion are not known, it is expected to result in a large in-frame deletion change in the BRCA1 gene, a known mechanism of disease. The variant was absent in 21694 control chromosomes. c.(5277+1_5278-1)_(5406+1_5407-1)del has been reported in the literature in multiple individuals affected with Hereditary Breast And Ovarian Cancer Syndrome (e.g. Hasmad 2014, Konecny 2011, Vasickova 2007). These data indicate that the variant is very likely to be associated with disease. One clinical diagnostic laboratory has submitted clinical-significance assessments for this variant to ClinVar after 2014 without evidence for independent evaluation and classified the variant as pathogenic. Based on the evidence outlined above, the variant was classified as pathogenic.

Literature cited by the submitters: PubMed 21203900; PubMed 16287141; PubMed 17561994; PubMed 25066186.

NC_000017.10:g.(41199721_41201137)_(41203135_41209068)del

Gene: BRCA1 (BRCA1 DNA repair associated; minus strand). Cytogenetic location: 17q21.31.
Variant type: Deletion.
Identifiers: ClinVar variation 1339762 (VCV001339762.1).